The following is an entry in ClinVar:

ClinVar aggregate classification (germline): Pathogenic (1 of 4 stars; one submission).

Submission:

Clinical Genetics Laboratory, Region Ostergotland
Classification: Pathogenic. Last evaluated: 2026-04-15. Review status: criteria provided, single submitter. Criteria: ACMG Guidelines, 2015. Collection method: clinical testing. Allele origin: germline.
Comment: The NM_000474.4(TWIST1):c.355C>T nonsense variant is not found in population database (gnomAD v4.1.1). The variant is predicted to result in a premature STOP codon (p.(Gln119*)) in a gene where loss of function is a known mechanism of disease (PMID:10749989). The variant is associated with the following publications PMID:31837199, PMID:16251895, PMID:24127277. The following ACMG/AMP criteria were applied in classifying this variant as Pathogenic: PM2, PVS1, PS4, PP4

Literature cited by the submitters: PubMed 10749989; PubMed 31837199; PubMed 16251895; PubMed 24127277.

NM_000474.4(TWIST1):c.355C>T (p.Gln119Ter)

Gene: TWIST1 (twist family bHLH transcription factor 1; minus strand). Cytogenetic location: 7p21.1.
Variant type: single nucleotide variant.
Coding change: c.355C>T on transcript NM_000474.4 (MANE Select); coding-DNA position 355, C replaced by T.
Protein change: p.Gln119Ter; replaces glutamine 119 with a stop codon.
Molecular consequence: nonsense. On other transcripts: non-coding transcript variant (1).
Genome position (GRCh38, 1-based): chr7:19,116,967, G>A on the plus strand (C>T on the coding strand, the complement: TWIST1 is on the minus strand). VCF-style: chr7-19116967-G-A. GRCh37 (hg19) VCF-style: chr7-19156590-G-A.
Other names: short protein forms Q119*.
Identifiers: ClinVar variation 4871881 (VCV004871881.1).